The following is an entry in ClinVar:

NM_024675.4(PALB2):c.1742del (p.Leu581fs)

Gene: PALB2 (partner and localizer of BRCA2; minus strand). Cytogenetic location: 16p12.2.
Variant type: Deletion.
Coding change: c.1742del on transcript NM_024675.4 (MANE Select); coding-DNA position 1742, one base deleted (T; older notation c.1742delT).
Protein change: p.Leu581fs; shifts the reading frame from leucine 581.
Molecular consequence: frameshift variant.
Genome position (GRCh38, 1-based): chr16:23,630,412, A deleted on the plus strand (T on the coding strand, the reverse complement: PALB2 is on the minus strand); the first of 3 consecutive A bases (chr16:23,630,412-23,630,414); deleting any one gives the same sequence. VCF-style (leftmost placement, unchanged base first): chr16-23630411-TA-T. GRCh37 (hg19) VCF-style: chr16-23641732-TA-T.
Other names: c.1742delT (NM_024675.3); short protein forms L581fs.
Identifiers: ClinVar variation 410209 (VCV000410209.12), dbSNP rs1060502803, ClinGen allele CA16614842.

ClinVar aggregate classification (germline): Pathogenic. Review status: criteria provided, multiple submitters, no conflicts (2 of 4 stars). 4 submissions from 4 submitters: Pathogenic (4). Last evaluated 2024-06-25.

Conditions:
Familial cancer of breast. Also called: BREAST CANCER, FAMILIAL; Hereditary breast cancer; hereditary breast carcinoma. Identifiers: Orphanet 227535, MedGen C0346153, MONDO:0016419, OMIM 114480. Disease mechanism: loss of function.
Hereditary cancer-predisposing syndrome. Also called: Tumor predisposition; Hereditary Cancer Syndrome; Hereditary neoplastic syndrome; Neoplastic Syndromes, Hereditary. Identifiers: Orphanet 140162, MedGen C0027672, MeSH D009386, MONDO:0015356.

Submissions (4):

Molecular Pathology, Peter Maccallum Cancer Centre
Classification: Pathogenic for Familial cancer of breast. Last evaluated: 2024-06-25. Review status: criteria provided, single submitter. Criteria: ACMG Guidelines, 2015. Collection method: clinical testing. Allele origin: germline. Inheritance: Autosomal dominant inheritance.

Ambry Genetics
Classification: Pathogenic for Hereditary cancer-predisposing syndrome. Last evaluated: 2024-05-02. Review status: criteria provided, single submitter. Criteria: Ambry Variant Classification Scheme 2023. Collection method: clinical testing. Allele origin: germline.
Comment: The c.1742delT pathogenic mutation, located in coding exon 5 of the PALB2 gene, results from a deletion of one nucleotide at nucleotide position 1742, causing a translational frameshift with a predicted alternate stop codon (p.L581Yfs*18). This variant is considered to be rare based on population cohorts in the Genome Aggregation Database (gnomAD). This alteration is expected to result in loss of function by premature protein truncation or nonsense-mediated mRNA decay. As such, this alteration is interpreted as a disease-causing mutation.

Myriad Genetics, Inc.
Classification: Pathogenic for Familial cancer of breast. Last evaluated: 2023-09-11. Review status: criteria provided, single submitter. Criteria: Myriad Autosomal Dominant, Autosomal Recessive and X-Linked Classification Criteria (2023). Collection method: clinical testing. Allele origin: unknown.
Comment: This variant is considered pathogenic. This variant creates a frameshift predicted to result in premature protein truncation.

Labcorp Genetics (formerly Invitae), Labcorp
Classification: Pathogenic for Familial cancer of breast. Last evaluated: 2016-09-29. Review status: criteria provided, single submitter. Criteria: Invitae Variant Classification Sherloc (09022015). Collection method: clinical testing. Allele origin: germline.
Comment: For these reasons, this variant has been classified as Pathogenic. While this particular variant has not been reported in the literature, loss-of-function variants in PALB2 are known to be pathogenic (PMID: 25099575, 17200668). This sequence change deletes 1 nucleotide from exon 5 of the PALB2 mRNA (c.1742delT), causing a frameshift at codon 581. This creates a premature translational stop signal (p.Leu581Tyrfs*18) and is expected to result in an absent or disrupted protein product.

Literature cited by the submitters: PubMed 25099575 (cited by Labcorp Genetics (formerly Invitae), Labcorp); PubMed 17200668 (cited by Labcorp Genetics (formerly Invitae), Labcorp).